The following is an entry in ClinVar:

NM_000038.6(APC):c.1279C>T (p.His427Tyr)

Gene: APC (APC regulator of Wnt signaling pathway; plus strand). Cytogenetic location: 5q22.2.
Variant type: single nucleotide variant.
Coding change: c.1279C>T on transcript NM_000038.6 (MANE Select); coding-DNA position 1279, C replaced by T.
Protein change: p.His427Tyr; replaces histidine 427 with tyrosine.
Molecular consequence: missense variant.
Genome position (GRCh38, 1-based): chr5:112,819,311, C>T. VCF-style: chr5-112819311-C-T. GRCh37 (hg19) VCF-style: chr5-112155008-C-T.
Other names: c.1279C>T, p.His427Tyr (NM_001127510.3, NM_001354895.2, NM_001354896.2); c.1225C>T, p.His409Tyr (NM_001127511.3); c.1309C>T, p.His437Tyr (NM_001354897.2); c.1204C>T, p.His402Tyr (NM_001354898.2); c.1195C>T, p.His399Tyr (NM_001354899.2); c.1102C>T, p.His368Tyr (NM_001354900.2, NM_001354901.2); c.1006C>T, p.His336Tyr (NM_001354902.2); c.976C>T, p.His326Tyr (NM_001354903.2); and 3 more; short protein forms H144Y, H267Y, H301Y, H326Y, H336Y, H368Y, H399Y, H402Y.
Identifiers: ClinVar variation 1692121 (VCV001692121.2), dbSNP rs587779781, ClinGen allele CA026990.

ClinVar aggregate classification (germline): Uncertain significance. Review status: criteria provided, multiple submitters, no conflicts (2 of 4 stars). 2 submissions from 2 submitters: Uncertain significance (2). Last evaluated 2023-12-15.

Conditions:
Hereditary cancer-predisposing syndrome. Also called: Hereditary Cancer Syndrome; Hereditary neoplastic syndrome; Neoplastic Syndromes, Hereditary; Tumor predisposition. Identifiers: Orphanet 140162, MedGen C0027672, MeSH D009386, MONDO:0015356.
Familial adenomatous polyposis 1 (FAP1). Also called: FAMILIAL ADENOMATOUS POLYPOSIS 1, ATTENUATED; POLYPOSIS, ADENOMATOUS INTESTINAL. Identifiers: MedGen C2713442, MONDO:0021056, OMIM 175100. Disease mechanism: loss of function.

gnomAD v4.1: 3 of 1,614,008 alleles (0.00019%); highest among the groups gnomAD compares: Non-Finnish European, 0.00017%; no homozygotes.

Submissions (2):

Baylor Genetics
Classification: Uncertain significance for Familial adenomatous polyposis 1. Last evaluated: 2023-12-15. Review status: criteria provided, single submitter. Criteria: ACMG Guidelines, 2015. Collection method: clinical testing. Allele origin: unknown.

Sema4
Classification: Uncertain significance for Hereditary cancer-predisposing syndrome. Last evaluated: 2021-07-05. Review status: criteria provided, single submitter. Criteria: Sema4 Curation Guidelines. Collection method: curation. Allele origin: germline.
Comment: The APC c.1279C>T (p.H427Y) variant has not been reported in the literature to our knowledge. It was observed in 1/10050 chromosomes of the Ashkenazi Jewish subpopulation in the large and broad cohorts of the Genome Aggregation Database (PMID: 32461654). This variant has not been reported in ClinVar. Functional studies have not been performed, and in silico predictions of the variant's effect on protein function are inconclusive. The evidence is insufficient to meet ACMG/AMP criteria for classifying the variant as benign or pathogenic. Thus, the clinical significance of this variant is currently uncertain.